The following is an entry in ClinVar:

ClinVar aggregate classification (germline): Benign. Review status: criteria provided, multiple submitters, no conflicts (2 of 4 stars). 2 submissions from 2 submitters: Benign (2). Last evaluated 2018-06-19.

Allele frequency attached by ClinVar (database versions not stated): 1000 Genomes Project 30x 0.42192; 1000 Genomes Project 0.42252; gnomAD 0.42538 and 0.42991; TOPMed 0.43630.

Submissions (2):

GeneDx
Classification: Benign. Last evaluated: 2018-06-19. Review status: criteria provided, single submitter. Criteria: GeneDx Variant Classification (06012015). Collection method: clinical testing. Allele origin: germline. Affected: yes.
Comment: This variant is considered likely benign or benign based on one or more of the following criteria: it is a conservative change, it occurs at a poorly conserved position in the protein, it is predicted to be benign by multiple in silico algorithms, and/or has population frequency not consistent with disease.

Breakthrough Genomics
Classification: Benign. Review status: criteria provided, single submitter. Criteria: ACMG Guidelines, 2015. Collection method: not provided. Allele origin: germline. Inheritance: Autosomal recessive inheritance. Affected: yes.

NM_177924.5(ASAH1):c.126-1706T>G

Gene: ASAH1 (N-acylsphingosine amidohydrolase 1; minus strand). Cytogenetic location: 8p22.
Variant type: single nucleotide variant.
Coding change: c.126-1706T>G on transcript NM_177924.5 (MANE Select); 1706 bases into the intron before coding-DNA position 126, T replaced by G.
Molecular consequence: intron variant.
Genome position (GRCh38, 1-based): chr8:18,073,096, A>C on the plus strand (T>G on the coding strand, the complement: ASAH1 is on the minus strand). VCF-style: chr8-18073096-A-C. GRCh37 (hg19) VCF-style: chr8-17930605-A-C.
Other names: c.174-1706T>G (NM_004315.6); c.194+160T>G (NM_001127505.3); c.-70-1706T>G (NM_001363743.2).
Identifiers: ClinVar variation 678024 (VCV000678024.2), dbSNP rs6586686, ClinGen allele CA12754796.
Genomic context (GRCh38, chr8:18,073,096, plus strand): 5'-ACAATGAAGTGGGGATGATGAGACCCCACAAACCTCTCTACCATCAAACCTGCACTAATT[A>C]GAATTTGAGAGAACTGGTTAATCTAATAAACCAAATTATTTTAATGACTAAAGCTTAGCC-3'